The following is an entry in ClinVar:

NM_000017.4(ACADS):c.1031A>G (p.Glu344Gly)

Gene: ACADS (acyl-CoA dehydrogenase short chain; plus strand). Cytogenetic location: 12q24.31.
Variant type: single nucleotide variant.
Coding change: c.1031A>G on transcript NM_000017.4 (MANE Select); coding-DNA position 1031, A replaced by G.
Protein change: p.Glu344Gly; replaces glutamic acid 344 with glycine.
Molecular consequence: missense variant.
Genome position (GRCh38, 1-based): chr12:120,739,141, A>G. VCF-style: chr12-120739141-A-G. GRCh37 (hg19) VCF-style: chr12-121176944-A-G.
Other names: c.1019A>G, p.Glu340Gly (NM_001302554.2); short protein forms E344G, E340G.
Identifiers: ClinVar variation 30612 (VCV000030612.32), dbSNP rs387906950, ClinGen allele CA259859.

ClinVar aggregate classification (germline): Pathogenic/Likely pathogenic. Review status: criteria provided, multiple submitters, no conflicts (2 of 4 stars). 13 submissions from 13 submitters: Pathogenic (6); Likely pathogenic (4). 3 of the submissions do not count toward it. Last evaluated 2026-01-14.

Conditions:
ACADS-related disorder. Also called: ACADS-related condition.
Deficiency of butyryl-CoA dehydrogenase (ACADSD). Also called: Short-Chain Acyl-CoA Dehydrogenase Deficiency; SCAD DEFICIENCY, MILD; ACYL-CoA DEHYDROGENASE, SHORT-CHAIN, DEFICIENCY OF; SCAD Deficiency; ACADS DEFICIENCY; SCADH DEFICIENCY. Identifiers: Orphanet 26792, MedGen C0342783, MONDO:0008722, OMIM 201470. Disease mechanism: May be benign.

Allele frequency attached by ClinVar (database versions not stated): gnomAD 0.00001 and 0.00003; TOPMed 0.00004; gnomAD exomes 0.00005 and 0.00010; ExAC 0.00010; 1000 Genomes Project 30x 0.00016; 1000 Genomes Project 0.00020.
gnomAD v4.1: 81 of 1,612,972 alleles (0.005%); highest among the groups gnomAD compares: East Asian, 0.18%; no homozygotes.

Submissions (13):

Labcorp Genetics (formerly Invitae), Labcorp
Classification: Pathogenic for Deficiency of butyryl-CoA dehydrogenase. Last evaluated: 2026-01-14. Review status: criteria provided, single submitter. Criteria: Invitae Variant Classification Sherloc (09022015). Collection method: clinical testing. Allele origin: germline.
Comment: This sequence change replaces glutamic acid, which is acidic and polar, with glycine, which is neutral and non-polar, at codon 344 of the ACADS protein (p.Glu344Gly). This variant is present in population databases (rs387906950, gnomAD 0.1%). This missense change has been observed in individual(s) with SCAD deficiency (PMID: 18523805, 20376488, 21325261, 27466294, 27938594, 28532786, 29519241). In at least one individual the data is consistent with being in trans (on the opposite chromosome) from a pathogenic variant. ClinVar contains an entry for this variant (Variation ID: 30612). An algorithm developed to predict the effect of missense changes on protein structure and function (PolyPhen-2) suggests that this variant is likely to be disruptive. Experimental studies have shown that this missense change affects ACADS function (PMID: 18523805, 20376488). For these reasons, this variant has been classified as Pathogenic.

PreventionGenetics, part of Exact Sciences
Classification: Likely pathogenic for ACADS-related condition. Last evaluated: 2025-03-19. Review status: criteria provided, single submitter. Criteria: ACMG Guidelines, 2015. Collection method: clinical testing. Allele origin: germline.
Comment: The ACADS c.1031A>G variant is predicted to result in the amino acid substitution p.Glu344Gly. This variant was reported in individuals with short-chain acyl-CoA-dehydrogenase deficiency (see for example at Pedersen et al. 2008. PubMed ID: 18523805; Shirao et al. 2010. PubMed ID: 20376488; Kim et al. 2011. PubMed ID: 21325261; Huang et al. 2016. PubMed ID: 27938594). This variant is reported in 0.13% of alleles in individuals of East Asian descent in gnomAD. This variant is interpreted as likely pathogenic.

Fulgent Genetics
Classification: Pathogenic for Deficiency of butyryl-CoA dehydrogenase. Last evaluated: 2024-06-23. Review status: criteria provided, single submitter. Criteria: ACMG Guidelines, 2015. Collection method: clinical testing. Allele origin: germline.

3billion
Classification: Likely pathogenic for Deficiency of butyryl-CoA dehydrogenase. Last evaluated: 2024-06-19. Review status: criteria provided, single submitter. Criteria: ACMG Guidelines, 2015. Collection method: clinical testing. Allele origin: germline. Affected: yes.
Comment: The variant is observed at an extremely low frequency in the gnomAD v4.0.0 dataset (total allele frequency: 0.005%). Predicted Consequence/Location: Missense variant Functional studies provide moderate evidence of the variant having a damaging effect on the gene or gene product (PMID: 18523805). In silico tool predictions suggest damaging effect of the variant on gene or gene product [REVEL: 0.97 (>=0.6, sensitivity 0.68 and specificity 0.92)]. The same nucleotide change resulting in the same amino acid change has been previously reported as pathogenic/likely pathogenic with strong evidence (ClinVar ID: VCV000030612 /PMID: 18523805). Therefore, this variant is classified as Likely pathogenic according to the recommendation of ACMG/AMP guideline.

Blueprint Genetics
Classification: Pathogenic for ACADS-related disorders. Last evaluated: 2024-04-18. Review status: criteria provided, single submitter. Criteria: ACMG Guidelines, 2015. Collection method: clinical testing. Allele origin: germline. Affected: yes. Observed: 5 variant alleles.

Baylor Genetics
Classification: Pathogenic for Deficiency of butyryl-CoA dehydrogenase. Last evaluated: 2022-10-26. Review status: criteria provided, single submitter. Criteria: ACMG Guidelines, 2015. Collection method: clinical testing. Allele origin: unknown.

Genome-Nilou Lab
Classification: Likely pathogenic for Deficiency of butyryl-CoA dehydrogenase. Last evaluated: 2021-11-07. Review status: criteria provided, single submitter. Criteria: ACMG Guidelines, 2015. Collection method: clinical testing. Allele origin: germline. Affected: no.

Revvity Omics, Revvity
Classification: Pathogenic for Deficiency of butyryl-CoA dehydrogenase. Last evaluated: 2021-05-10. Review status: criteria provided, single submitter. Criteria: ACMG Guidelines, 2015. Collection method: clinical testing. Allele origin: germline.

Genomic Research Center, Shahid Beheshti University of Medical Sciences
Classification: Likely pathogenic for Deficiency of butyryl-CoA dehydrogenase. Last evaluated: 2020-05-03. Review status: criteria provided, single submitter. Criteria: ACMG Guidelines, 2015. Collection method: clinical testing. Allele origin: unknown. Affected: yes.

Juno Genomics, Hangzhou Juno Genomics, Inc
Classification: Pathogenic for Deficiency of butyryl-CoA dehydrogenase. Review status: criteria provided, single submitter. Criteria: ACMG Guidelines, 2015. Collection method: clinical testing. Allele origin: germline. Affected: yes.
Comment: For recessive disorders, detected in trans with a pathogenic variant.;Patient's phenotype or family history is highly specific for a disease with a single genetic etiology.;Well-established in vitro or in vivo functional studies supportive of a damaging effect on the gene or gene product.

Counsyl
Classification: Likely pathogenic for Deficiency of butyryl-CoA dehydrogenase. Last evaluated: 2014-04-08. Review status: no assertion criteria provided. Collection method: literature only. Allele origin: unknown. Inheritance: Autosomal recessive inheritance. Not counted in ClinVar's aggregate classification.

OMIM
Classification: Pathogenic for SCAD DEFICIENCY, MILD. Last evaluated: 2010-06-01. Review status: no assertion criteria provided. Collection method: literature only. Allele origin: germline. Not counted in ClinVar's aggregate classification.

Neonatal Disease Screening Center, Medical Genetics Center, Huaihua City Maternal and Child Health Care Hospital
Classification: Pathogenic for Deficiency of butyryl-CoA dehydrogenase. Review status: no assertion criteria provided. Criteria: ACMG Guidelines, 2015. Collection method: clinical testing. Allele origin: germline. Affected: yes. Observed: 1 variant allele. Not counted in ClinVar's aggregate classification.
Comment: PS3+PM3_VS+PP1+PP3+PP4

Literature cited by the submitters: PubMed 18523805 (cited by 3 submitters); PubMed 20376488 (cited by 3 submitters); PubMed 21325261 (cited by Labcorp Genetics (formerly Invitae), Labcorp and Counsyl); PubMed 27466294 (cited by Labcorp Genetics (formerly Invitae), Labcorp); PubMed 27938594 (cited by Labcorp Genetics (formerly Invitae), Labcorp); PubMed 28532786 (cited by Labcorp Genetics (formerly Invitae), Labcorp); PubMed 29519241 (cited by Labcorp Genetics (formerly Invitae), Labcorp).